The following is an entry in ClinVar:

ClinVar aggregate classification (germline): Benign/Likely benign. Review status: criteria provided, multiple submitters, no conflicts (2 of 4 stars). 8 submissions from 7 submitters: Benign (3); Likely benign (4). 1 of the submissions does not count toward it. Last evaluated 2025-09-27.

Conditions:
KCNT1-related disorder. Also called: KCNT1-related condition.
Autosomal dominant nocturnal frontal lobe epilepsy 5. Also called: KCNT1-Related Epilepsy; CILIARY DYSKINESIA, PRIMARY, 28, WITHOUT SITUS INVERSUS; CILIARY DYSKINESIA, PRIMARY, 28, WITH SITUS INVERSUS; Epilepsy, nocturnal frontal lobe, 5. Identifiers: Orphanet 98784, MedGen C3554306, MONDO:0014002, OMIM 615005.
Developmental and epileptic encephalopathy, 14 (DEE14). Also called: Early infantile epileptic encephalopathy 14. Identifiers: Orphanet 293181, MedGen C3554195, MONDO:0013989, OMIM 614959.
Inborn genetic diseases. Identifiers: MedGen C0950123, MeSH D030342.

Allele frequency attached by ClinVar (database versions not stated): gnomAD 0.00005 and 0.00017; ESP Exome Variant Server 0.00008; TOPMed 0.00008; 1000 Genomes Project 0.00060; 1000 Genomes Project 30x 0.00078; ExAC 0.00080.
gnomAD v4.1: 391 of 1,600,734 alleles (0.024%); highest among the groups gnomAD compares: South Asian, 0.34%; 1 homozygote.

Submissions (8):

Labcorp Genetics (formerly Invitae), Labcorp
Classification: Likely benign for Autosomal dominant nocturnal frontal lobe epilepsy 5; Developmental and epileptic encephalopathy, 14. Last evaluated: 2025-09-27. Review status: criteria provided, single submitter. Criteria: Invitae Variant Classification Sherloc (09022015). Collection method: clinical testing. Allele origin: germline.

CeGaT Center for Human Genetics Tuebingen
Classification: Likely benign. Last evaluated: 2024-12-01. Review status: criteria provided, single submitter. Criteria: CeGaT Center For Human Genetics Tuebingen Variant Classification Criteria Version 2. Collection method: clinical testing. Allele origin: germline. Affected: yes. Observed: 1 variant allele.
Comment: KCNT1: BS1

Blueprint Genetics
Classification: Likely benign. Last evaluated: 2024-11-14. Review status: criteria provided, single submitter. Criteria: ACMG Guidelines, 2015. Collection method: clinical testing. Allele origin: germline.

Genome-Nilou Lab
Classification: Benign for Developmental and epileptic encephalopathy, 14. Last evaluated: 2022-03-15. Review status: criteria provided, single submitter. Criteria: ACMG Guidelines, 2015. Collection method: clinical testing. Allele origin: germline. Affected: no.

Genome-Nilou Lab
Classification: Benign for Autosomal dominant nocturnal frontal lobe epilepsy 5. Last evaluated: 2022-03-15. Review status: criteria provided, single submitter. Criteria: ACMG Guidelines, 2015. Collection method: clinical testing. Allele origin: germline. Affected: no.

GeneDx
Classification: Benign. Last evaluated: 2020-05-27. Review status: criteria provided, single submitter. Criteria: GeneDx Variant Classification Process June 2021. Collection method: clinical testing. Allele origin: germline. Affected: yes.

Ambry Genetics
Classification: Likely benign for Inborn genetic diseases. Last evaluated: 2018-10-11. Review status: criteria provided, single submitter. Criteria: Ambry Variant Classification Scheme 2023. Collection method: clinical testing. Allele origin: germline.

PreventionGenetics, part of Exact Sciences
Classification: Likely benign for KCNT1-related condition. Last evaluated: 2022-03-21. Review status: no assertion criteria provided. Collection method: clinical testing. Allele origin: germline. Not counted in ClinVar's aggregate classification.
Comment: This variant is classified as likely benign based on ACMG/AMP sequence variant interpretation guidelines (Richards et al. 2015 PMID: 25741868, with internal and published modifications).

NM_020822.3(KCNT1):c.3437G>A (p.Arg1146His)

Gene: KCNT1 (potassium sodium-activated channel subfamily T member 1; plus strand). Cytogenetic location: 9q34.3.
Variant type: single nucleotide variant.
Coding change: c.3437G>A on transcript NM_020822.3 (MANE Select); coding-DNA position 3437, G replaced by A.
Protein change: p.Arg1146His; replaces arginine 1146 with histidine.
Molecular consequence: missense variant.
Genome position (GRCh38, 1-based): chr9:135,786,456, G>A. VCF-style: chr9-135786456-G-A. GRCh37 (hg19) VCF-style: chr9-138678302-G-A.
Other names: c.3302G>A, p.Arg1101His (NM_001272003.2); short protein forms R1146H, R1101H.
Identifiers: ClinVar variation 473390 (VCV000473390.32), dbSNP rs368339692, ClinGen allele CA5327817.